The following is an entry in ClinVar:

ClinVar aggregate classification (germline): Benign/Likely benign. Review status: criteria provided, multiple submitters, no conflicts (2 of 4 stars). 5 submissions from 5 submitters: Benign (1); Likely benign (4). Last evaluated 2025-10-06.

Conditions:
Hypertrophic cardiomyopathy 11. Also called: ACTC1-Related Familial Hypertrophic Cardiomyopathy. Identifiers: MedGen C2677506, MONDO:0012799, OMIM 612098.
Dilated cardiomyopathy 1R (CMD1R). Identifiers: Orphanet 154, Orphanet 54260, MedGen C3150681, MONDO:0013261, OMIM 613424.
Atrial septal defect 5 (ASD5). Identifiers: Orphanet 1478, MedGen C2748552, MONDO:0013011, OMIM 612794.
Hypertrophic cardiomyopathy. Also called: HYPERTROPHIC MYOCARDIOPATHY. Identifiers: Orphanet 217569, MedGen C0007194, MeSH D002312, MONDO:0005045, HP:0001639.
Cardiomyopathy (CMYO). Also called: Cardiomyopathies. Identifiers: Orphanet 167848, MedGen C0878544, MONDO:0004994, HP:0001638. Inheritance: Various modes of inheritance.

Allele frequency attached by ClinVar (database versions not stated): gnomAD exomes 0.00001 and 0.00002.

Submissions (5):

Labcorp Genetics (formerly Invitae), Labcorp
Classification: Likely benign for Dilated cardiomyopathy 1R; Hypertrophic cardiomyopathy 11; Atrial septal defect 5. Last evaluated: 2025-10-06. Review status: criteria provided, single submitter. Criteria: Invitae Variant Classification Sherloc (09022015). Collection method: clinical testing. Allele origin: germline.

All of Us Research Program, National Institutes of Health
Classification: Likely benign for Hypertrophic cardiomyopathy. Last evaluated: 2023-12-01. Review status: criteria provided, single submitter. Criteria: ACMG Guidelines, 2015. Collection method: clinical testing. Allele origin: germline. Inheritance: Autosomal dominant inheritance. Observed: 4 variant alleles, 4 heterozygotes.
Comment: This study involves interpretation of variants in research participants for the purpose of population health screening. Participant phenotype was not available at the time of variant classification. Additional details can be found in publication PMID: 35346344, PMCID: PMC8962531

Blueprint Genetics
Classification: Likely benign. Last evaluated: 2020-11-19. Review status: criteria provided, single submitter. Criteria: ACMG Guidelines, 2015. Collection method: clinical testing. Allele origin: germline.

Color Diagnostics, LLC DBA Color Health
Classification: Likely benign for Cardiomyopathy. Last evaluated: 2018-10-17. Review status: criteria provided, single submitter. Criteria: ACMG Guidelines, 2015. Collection method: clinical testing. Allele origin: germline.

GeneDx
Classification: Benign. Last evaluated: 2015-03-03. Review status: criteria provided, single submitter. Criteria: GeneDx Variant Classification Process June 2021. Collection method: clinical testing. Allele origin: germline. Affected: yes.

NM_005159.5(ACTC1):c.318G>A (p.Leu106=)

Genes: ACTC1 (actin alpha cardiac muscle 1; minus strand), GJD2-DT (GJD2 divergent transcript; plus strand). Cytogenetic location: 15q14.
Variant type: single nucleotide variant.
Coding change: c.318G>A on transcript NM_005159.5 (MANE Select); coding-DNA position 318, G replaced by A.
Protein change: p.Leu106=; no amino-acid change (leucine 106 retained).
Molecular consequence: synonymous variant.
Genome position (GRCh38, 1-based): chr15:34,793,381, C>T on the plus strand (G>A on the coding strand, the complement: ACTC1 is on the minus strand). VCF-style: chr15-34793381-C-T. GRCh37 (hg19) VCF-style: chr15-35085582-C-T.
Other names: c.318G>A (LRG_388t1).
Identifiers: ClinVar variation 629633 (VCV000629633.16), dbSNP rs1335305223, ClinGen allele CA489655748.